The following is an entry in ClinVar:

ClinVar aggregate classification (germline): Uncertain significance (1 of 4 stars; one submission).

Conditions:
Orofaciodigital syndrome I (OFD1). Also called: OFDS I; Oral-Facial-Digital Syndrome Type I; Papillon-Leage and Psaume Syndrome. Identifiers: Orphanet 2750, MedGen C1510460, MONDO:0010702, OMIM 311200.
Joubert syndrome. Also called: CEREBELLOPARENCHYMAL DISORDER IV; JOUBERT-BOLTSHAUSER SYNDROME; Familial aplasia of the vermis. Identifiers: Orphanet 475, MedGen C5979921, MONDO:0018772.

Submission:

Labcorp Genetics (formerly Invitae), Labcorp
Classification: Uncertain significance for Orofaciodigital syndrome I; Joubert syndrome. Last evaluated: 2025-07-14. Review status: criteria provided, single submitter. Criteria: Invitae Variant Classification Sherloc (09022015). Collection method: clinical testing. Allele origin: germline.
Comment: This sequence change replaces valine, which is neutral and non-polar, with alanine, which is neutral and non-polar, at codon 10 of the OFD1 protein (p.Val10Ala). This variant is not present in population databases (gnomAD no frequency). This variant has not been reported in the literature in individuals affected with OFD1-related conditions. ClinVar contains an entry for this variant (Variation ID: 846182). Invitae Evidence Modeling of protein sequence and biophysical properties (such as structural, functional, and spatial information, amino acid conservation, physicochemical variation, residue mobility, and thermodynamic stability) indicates that this missense variant is not expected to disrupt OFD1 protein function with a negative predictive value of 80%. In summary, the available evidence is currently insufficient to determine the role of this variant in disease. Therefore, it has been classified as a Variant of Uncertain Significance.

NM_003611.3(OFD1):c.29T>C (p.Val10Ala)

Genes: OFD1 (OFD1 centriole and centriolar satellite protein; plus strand), LOC126863212 (CDK7 strongly-dependent group 2 enhancer GRCh37_chrX:13752241-13753440; plus strand). Cytogenetic location: Xp22.2.
Variant type: single nucleotide variant.
Coding change: c.29T>C on transcript NM_003611.3 (MANE Select); coding-DNA position 29, T replaced by C.
Protein change: p.Val10Ala; replaces valine 10 with alanine.
Molecular consequence: missense variant. On other transcripts: 5 prime UTR variant (1).
Genome position (GRCh38, 1-based): chrX:13,735,264, T>C. VCF-style: chrX-13735264-T-C. GRCh37 (hg19) VCF-style: chrX-13753383-T-C.
Other names: c.29T>C, p.Val10Ala (NM_001330209.2); c.-517T>C (NM_001330210.2); short protein forms V10A.
Identifiers: ClinVar variation 846182 (VCV000846182.10), dbSNP rs2046814185, ClinGen allele CA412331297.